The following is an entry in ClinVar:

NM_000277.3(PAH):c.532G>A (p.Glu178Lys)

Gene: PAH (phenylalanine hydroxylase; minus strand). Cytogenetic location: 12q23.2.
Variant type: single nucleotide variant.
Coding change: c.532G>A on transcript NM_000277.3 (MANE Select); coding-DNA position 532, G replaced by A.
Protein change: p.Glu178Lys; replaces glutamic acid 178 with lysine.
Molecular consequence: missense variant.
Genome position (GRCh38, 1-based): chr12:102,855,310, C>T on the plus strand (G>A on the coding strand, the complement: PAH is on the minus strand). VCF-style: chr12-102855310-C-T. GRCh37 (hg19) VCF-style: chr12-103249088-C-T.
Other names: c.532G>A (NM_000277.2); c.532G>A, p.Glu178Lys (NM_001354304.2); short protein forms E178K.
Identifiers: ClinVar variation 928885 (VCV000928885.17), dbSNP rs1448720360, ClinGen allele CA16020812.
Genomic context (GRCh38, chr12:102,855,310, plus strand): 5'-ACAAGGACTTCAGAGTCTTGAACACTGTGCCCCATGTTTTCTTTTCTTCCTCCATGTATT[C>T]CACTCGAGGGATGGGCTGCCCACTAGAATACAGGCACAAAATAGGTGTCTCAAGCAGGGC-3'
Protein context (NP_000268.1, residues 168-188): YRHGQPIPRV[Glu178Lys]YMEEEKKTWG

ClinVar aggregate classification (germline): Pathogenic. Review status: reviewed by expert panel (3 of 4 stars). 6 submissions from 6 submitters: Pathogenic (1). 5 of the submissions do not count toward it. Last evaluated 2021-01-17.

Conditions:
PAH-related disorder. Also called: PAH-related condition.
Phenylketonuria (PKU). Also called: OLIGOPHRENIA PHENYLPYRUVICA; Phenylketonurias; Phenylketonuria (PKU); FOLLING DISEASE. Identifiers: Orphanet 716, MedGen C0031485, MONDO:0009861, OMIM 261600. Disease mechanism: loss of function.

Allele frequency attached by ClinVar (database versions not stated): TOPMed below 0.00001; gnomAD exomes below 0.00001; gnomAD 0.00001.
gnomAD v4.1: 2 of 1,613,932 alleles (0.00012%); highest among the groups gnomAD compares: African/African-American, 0.0013%; no homozygotes.

Submissions (6):

ClinGen PAH Variant Curation Expert Panel
Classification: Pathogenic for Phenylketonuria. Last evaluated: 2021-01-17. Review status: reviewed by expert panel. Criteria: ClinGen PAH ACMG Specifications v1. Collection method: curation. Allele origin: germline. Inheritance: Autosomal recessive inheritance.
Comment: The c.532G>A (p.Glu178Lys) variant in PAH has been reported in multiple individuals with PAH deficiency (BH4 deficiency excluded). (PP4_Moderate; PMID: 26503515; PMID: 26542770). This variant has an extremely low allele frequency (PopMax MAF=0.00006, ENF) in gnomAD (PM2). This variant was detected in trans with F39del (PMID: 26542770) (Pathogenic/Likely Pathogenic in ClinVar by 7 submitters, see ID 188933). It has also been observed with R408W (PMID: 28771436, parental testing not performed) (Pathogenic in ClinVar (ID 577) and by ClinGen PAH VCEP) and IVS4-1G>A (PMID: 29316886, parental testing unclear) (Pathogenic in ClinVar (ID 594) and by ClinGen PAH VCEP). Computational prediction tools and conservation analysis are conflicting. This is a novel missense change at an amino acid residue where a different pathogenic missense change has been seen before (c.533A>G (p.Glu178Gly). In summary, this variant meets criteria to be classified as pathogenic for PAH. PAH-specific ACMG/AMP criteria applied: PP4_Moderate, PM3_strong, PM2, PM5

PreventionGenetics, part of Exact Sciences
Classification: Pathogenic for PAH-related condition. Last evaluated: 2025-12-05. Review status: criteria provided, single submitter. Criteria: ACMG Guidelines, 2015. Collection method: clinical testing. Allele origin: germline. Not counted in ClinVar's aggregate classification.
Comment: The PAH c.532G>A variant is predicted to result in the amino acid substitution p.Glu178Lys. This variant has been reported in individuals with phenylketonuria, including at least one in whom it was detected in trans with a pathogenic variant (see, for example, Li et al. 2015. PubMed ID: 26503515; Bayat et al. 2016. PubMed ID: 26542770; Qian et al. 2017. PubMed ID: 28771436). This variant was identified on the same allele (in cis) with p.Phe39del in at least one individiual (Razipour et al. 2017. PubMed ID: 28676969). In vitro experimental studies indicated this variant decreased protein expression; however, enzyme activity was not measured (Zong et al. 2018. PubMed ID: 29653233). Another nucleotide change affecting the same amino acid (p.Glu178Gly) has also been reported in individuals with phenylketonuria (Goldberg et al. 1994. PubMed ID: 7707686). This variant is reported in 0.0065% of alleles in individuals of European (non-Finnish) descent in gnomAD. It is interpreted in ClinVar as uncertain by one submitter and pathogenic by three submitters, including the PAH Variant Curation Expert Panel (Variation ID: 928885). This variant is interpreted as pathogenic.

Natera, Inc.
Classification: Pathogenic for Phenylketonuria. Last evaluated: 2025-07-03. Review status: criteria provided, single submitter. Criteria: Natera Variant Classification Schema (03/2026). Collection method: clinical testing. Allele origin: germline. Not counted in ClinVar's aggregate classification.
Comment: The c.532G>A variant in PAH is a missense variant predicted to cause substitution of glutamic acid to lysine at amino acid 178. This variant is rare in the general population with a frequency below the threshold expected for the associated phenotype(s). This variant has been observed in one or more individuals affected with the associated recessive disease, as either homozygous or compound heterozygous with a second variant (PMID: 28982351, 35952926). Given the available evidence, this variant is classified as Pathogenic.

Women's Health and Genetics/Laboratory Corporation of America, LabCorp
Classification: Pathogenic for Phenylketonuria. Last evaluated: 2025-06-27. Review status: criteria provided, single submitter. Criteria: LabCorp Variant Classification Summary - May 2015. Collection method: clinical testing. Allele origin: germline. Not counted in ClinVar's aggregate classification.
Comment: Variant summary: PAH c.532G>A (p.Glu178Lys) results in a conservative amino acid change located in the Aromatic amino acid hydroxylase, C-terminal domain (IPR019774) of the encoded protein sequence. Algorithms developed to predict the effect of missense changes on protein structure and function are either unavailable or do not agree on the potential impact of this missense change. The variant was absent in 251232 control chromosomes. c.532G>A has been observed in individuals affected with Phenylalanine Hydroxylase Deficiency (Phenylketonuria) or Hyperphenylalaninemia (e.g., Bayat_2016, Li_2015, Razipour_2017, Wang_2018, Zeng_2023, Zhang_2023, Zong_2018). These data indicate that the variant is likely to be associated with disease. A different variant affecting the same codon has been classified as pathogenic by our lab (c.533A>G, p.Glu178Gly), supporting the critical relevance of codon 178 to PAH protein function. One functional study showed that PAH protein with this variant had decreased expression in E.coli and cultured cells, however, the enzyme activity was not tested (Zong_2018). The following publications have been ascertained in the context of this evaluation (PMID: 26542770, 30037505, 26503515, 29316886, 28676969, 29499199, 36845377, 37237386, 29653233). ClinVar contains an entry for this variant (Variation ID: 928885). Based on the evidence outlined above, the variant was classified as pathogenic.

Labcorp Genetics (formerly Invitae), Labcorp
Classification: Pathogenic for Phenylketonuria. Last evaluated: 2024-07-14. Review status: criteria provided, single submitter. Criteria: Invitae Variant Classification Sherloc (09022015). Collection method: clinical testing. Allele origin: germline. Not counted in ClinVar's aggregate classification.
Comment: This sequence change replaces glutamic acid, which is acidic and polar, with lysine, which is basic and polar, at codon 178 of the PAH protein (p.Glu178Lys). This variant is present in population databases (no rsID available, gnomAD 0.007%). This missense change has been observed in individual(s) with clinical features of PAH-related conditions (PMID: 26542770, 28771436, 29653233). In at least one individual the data is consistent with being in trans (on the opposite chromosome) from a pathogenic variant. ClinVar contains an entry for this variant (Variation ID: 928885). Advanced modeling of protein sequence and biophysical properties (such as structural, functional, and spatial information, amino acid conservation, physicochemical variation, residue mobility, and thermodynamic stability) performed at Invitae indicates that this missense variant is not expected to disrupt PAH protein function with a negative predictive value of 80%. Studies have shown that this missense change alters PAH gene expression (PMID: 29653233). This variant disrupts the p.Glu178 amino acid residue in PAH. Other variant(s) that disrupt this residue have been determined to be pathogenic (PMID: 7707686, 10479481, 26803807). This suggests that this residue is clinically significant, and that variants that disrupt this residue are likely to be disease-causing. For these reasons, this variant has been classified as Pathogenic.

Juno Genomics, Hangzhou Juno Genomics, Inc
Classification: Pathogenic for Phenylketonuria. Review status: criteria provided, single submitter. Criteria: ACMG Guidelines, 2015. Collection method: clinical testing. Allele origin: germline. Affected: yes. Not counted in ClinVar's aggregate classification.
Comment: Absent from controls (or at extremely low frequency if recessive) in Genome Aggregation Database, Exome Sequencing Project, 1000 Genomes Project, or Exome Aggregation Consortium.;For recessive disorders, detected in trans with a pathogenic variant.;Patient's phenotype or family history is highly specific for a disease with a single genetic etiology.;Well-established in vitro or in vivo functional studies supportive of a damaging effect on the gene or gene product.;Novel missense change at an amino acid residue where a different missense change determined to be pathogenic has been seen before.

Literature cited by the submitters: PubMed 29316886 (cited by ClinGen PAH Variant Curation Expert Panel and Women's Health and Genetics/Laboratory Corporation of America, LabCorp); PubMed 26542770 (cited by 3 submitters); PubMed 28771436 (cited by ClinGen PAH Variant Curation Expert Panel and Labcorp Genetics (formerly Invitae), Labcorp); PubMed 26503515 (cited by ClinGen PAH Variant Curation Expert Panel and Women's Health and Genetics/Laboratory Corporation of America, LabCorp); PubMed 28982351 (cited by Natera, Inc.); PubMed 35952926 (cited by Natera, Inc.); PubMed 29499199 (cited by Women's Health and Genetics/Laboratory Corporation of America, LabCorp); PubMed 30037505 (cited by Women's Health and Genetics/Laboratory Corporation of America, LabCorp); PubMed 28676969 (cited by Women's Health and Genetics/Laboratory Corporation of America, LabCorp); PubMed 29653233 (cited by Women's Health and Genetics/Laboratory Corporation of America, LabCorp and Labcorp Genetics (formerly Invitae), Labcorp); PubMed 36845377 (cited by Women's Health and Genetics/Laboratory Corporation of America, LabCorp); PubMed 37237386 (cited by Women's Health and Genetics/Laboratory Corporation of America, LabCorp); PubMed 7707686 (cited by Labcorp Genetics (formerly Invitae), Labcorp); PubMed 10479481 (cited by Labcorp Genetics (formerly Invitae), Labcorp); PubMed 26803807 (cited by Labcorp Genetics (formerly Invitae), Labcorp).